The following is an entry in ClinVar:

ClinVar aggregate classification (germline): Uncertain significance (1 of 4 stars; one submission).

Conditions:
Congenital myasthenic syndrome 8. Also called: Myasthenic syndrome, congenital, 8, with pre- and postsynaptic defects; MYASTHENIC SYNDROME, CONGENITAL, DUE TO AGRIN DEFICIENCY. Identifiers: Orphanet 590, MedGen C3808739, MONDO:0014052, OMIM 615120.

Allele frequency attached by ClinVar (database versions not stated): gnomAD 0.00001.
gnomAD v4.1: 1 of 1,597,788 alleles (0.000063%); highest among the groups gnomAD compares: Non-Finnish European, 0.000085%; no homozygotes.

Submission:

Labcorp Genetics (formerly Invitae), Labcorp
Classification: Uncertain significance for Congenital myasthenic syndrome 8. Last evaluated: 2022-08-02. Review status: criteria provided, single submitter. Criteria: Invitae Variant Classification Sherloc (09022015). Collection method: clinical testing. Allele origin: germline.
Comment: This sequence change replaces histidine, which is basic and polar, with arginine, which is basic and polar, at codon 1958 of the AGRN protein (p.His1958Arg). This variant is not present in population databases (gnomAD no frequency). This variant has not been reported in the literature in individuals affected with AGRN-related conditions. Algorithms developed to predict the effect of missense changes on protein structure and function are either unavailable or do not agree on the potential impact of this missense change (SIFT: "Tolerated"; PolyPhen-2: "Possibly Damaging"; Align-GVGD: "Class C0"). In summary, the available evidence is currently insufficient to determine the role of this variant in disease. Therefore, it has been classified as a Variant of Uncertain Significance.

NM_198576.4(AGRN):c.5873A>G (p.His1958Arg)

Gene: AGRN (agrin; plus strand). Cytogenetic location: 1p36.33.
Variant type: single nucleotide variant.
Coding change: c.5873A>G on transcript NM_198576.4 (MANE Select); coding-DNA position 5873, A replaced by G.
Protein change: p.His1958Arg; replaces histidine 1958 with arginine.
Molecular consequence: missense variant.
Genome position (GRCh38, 1-based): chr1:1,053,974, A>G. VCF-style: chr1-1053974-A-G. GRCh37 (hg19) VCF-style: chr1-989354-A-G.
Other names: c.5942A>G, p.His1981Arg (NM_001305275.2); c.5570A>G, p.His1857Arg (NM_001364727.2); short protein forms H1857R, H1958R, H1981R.
Identifiers: ClinVar variation 1714837 (VCV001714837.5), dbSNP rs1645383491, ClinGen allele CA337785490.